The following is an entry in ClinVar:

ClinVar aggregate classification (germline): Uncertain significance (1 of 4 stars; one submission).

Allele frequency attached by ClinVar (database versions not stated): gnomAD exomes below 0.00001.
gnomAD v4.1: 4 of 1,612,966 alleles (0.00025%); highest among the groups gnomAD compares: East Asian, 0.0067%; no homozygotes.

Submission:

Labcorp Genetics (formerly Invitae), Labcorp
Classification: Uncertain significance. Last evaluated: 2022-01-21. Review status: criteria provided, single submitter. Criteria: Invitae Variant Classification Sherloc (09022015). Collection method: clinical testing. Allele origin: germline.
Comment: This sequence change replaces glutamine, which is neutral and polar, with arginine, which is basic and polar, at codon 608 of the TRAF3IP1 protein (p.Gln608Arg). This variant is not present in population databases (gnomAD no frequency). This variant has not been reported in the literature in individuals affected with TRAF3IP1-related conditions. Algorithms developed to predict the effect of missense changes on protein structure and function are either unavailable or do not agree on the potential impact of this missense change (SIFT: "Tolerated"; PolyPhen-2: "Probably Damaging"; Align-GVGD: "Class C0"). In summary, the available evidence is currently insufficient to determine the role of this variant in disease. Therefore, it has been classified as a Variant of Uncertain Significance.

NM_015650.4(TRAF3IP1):c.1823A>G (p.Gln608Arg)

Gene: TRAF3IP1 (TRAF3 interacting protein 1; plus strand). Cytogenetic location: 2q37.3.
Variant type: single nucleotide variant.
Coding change: c.1823A>G on transcript NM_015650.4 (MANE Select); coding-DNA position 1823, A replaced by G.
Protein change: p.Gln608Arg; replaces glutamine 608 with arginine.
Molecular consequence: missense variant.
Genome position (GRCh38, 1-based): chr2:238,397,592, A>G. VCF-style: chr2-238397592-A-G. GRCh37 (hg19) VCF-style: chr2-239306233-A-G.
Other names: c.1625A>G, p.Gln542Arg (NM_001139490.1); short protein forms Q608R, Q542R.
Identifiers: ClinVar variation 2088580 (VCV002088580.4), dbSNP rs1701287180, ClinGen allele CA351246362.
Genomic context (GRCh38, chr2:238,397,592, plus strand): 5'-CGTCCATCCAGACCCTGTGCAAGAGCGCACTTCCCCTGGGGAAGATCATGGACTACATCC[A>G]GGAAGACGTGGATGCCATGCAGAATGAGCTGCAGATGTGGCACAGCGAGAACAGGCAGCA-3'
Protein context (NP_056465.2, residues 598-618): LPLGKIMDYI[Gln608Arg]EDVDAMQNEL